The following is an entry in ClinVar:

ClinVar aggregate classification (germline): Uncertain significance. Review status: criteria provided, multiple submitters, no conflicts (2 of 4 stars). 2 submissions from 2 submitters: Uncertain significance (2). Last evaluated 2026-03-19.

Conditions:
PPARG-related disorder. Also called: PPARG-related disorders; PPARG-related condition.

gnomAD v4.1: 52 of 1,614,090 alleles (0.0032%); highest among the groups gnomAD compares: Admixed American, 0.033%; 1 homozygote.

Submissions (2):

PreventionGenetics, part of Exact Sciences
Classification: Uncertain significance for PPARG-related condition. Last evaluated: 2026-03-19. Review status: criteria provided, single submitter. Criteria: ACMG Guidelines, 2015. Collection method: clinical testing. Allele origin: germline.
Comment: The PPARG c.1360C>G variant is predicted to result in the amino acid substitution p.Pro454Ala. This variant has been reported in cases and controls in a study of patients with type 2 diabetes (described as as P454A, Majithia et al. 2014. PubMed ID: 25157153). This variant is reported in 0.038% of alleles in individuals of Latino descent in gnomAD, including one homozygous individual. At this time, the clinical significance of this variant is uncertain due to the absence of conclusive functional and genetic evidence.

Mayo Clinic Laboratories, Mayo Clinic
Classification: Uncertain significance. Last evaluated: 2025-10-07. Review status: criteria provided, single submitter. Criteria: ACMG Guidelines, 2015. Collection method: clinical testing. Allele origin: germline. Observed: 1 variant allele.
Comment: PP3

Literature cited by the submitters: PubMed 36325899 (cited by Mayo Clinic Laboratories, Mayo Clinic).

NM_138711.6(PPARG):c.1270C>G (p.Pro424Ala)

Gene: PPARG (peroxisome proliferator activated receptor gamma; plus strand). Cytogenetic location: 3p25.2.
Variant type: single nucleotide variant.
Coding change: c.1270C>G on transcript NM_138711.6 (MANE Select); coding-DNA position 1270, C replaced by G.
Protein change: p.Pro424Ala; replaces proline 424 with alanine.
Molecular consequence: missense variant. On other transcripts: 3 prime UTR variant (5).
Genome position (GRCh38, 1-based): chr3:12,433,987, C>G. VCF-style: chr3-12433987-C-G. GRCh37 (hg19) VCF-style: chr3-12475486-C-G.
Other names: p.Pro454Ala; c.*72C>G (NM_001330615.4, NM_001374261.3, NM_001374262.3 and 1 more transcripts); c.1270C>G, p.Pro424Ala (NM_001354666.3, NM_001354667.3, NM_001374263.2 and 3 more transcripts); c.643C>G, p.Pro215Ala (NM_001354669.2); c.*56C>G (NM_001374266.1); c.1360C>G, p.Pro454Ala (NM_015869.5); short protein forms P215A, P424A, P454A.
Identifiers: ClinVar variation 3352409 (VCV003352409.3).